The following is an entry in ClinVar:

NM_001029.5(RPS26):c.331C>G (p.Pro111Ala)

Gene: RPS26 (ribosomal protein S26; plus strand). Cytogenetic location: 12q13.2.
Variant type: single nucleotide variant.
Coding change: c.331C>G on transcript NM_001029.5 (MANE Select); coding-DNA position 331, C replaced by G.
Protein change: p.Pro111Ala; replaces proline 111 with alanine.
Molecular consequence: missense variant.
Genome position (GRCh38, 1-based): chr12:56,044,137, C>G. VCF-style: chr12-56044137-C-G. GRCh37 (hg19) VCF-style: chr12-56437921-C-G.
Other names: short protein forms P111A.
Identifiers: ClinVar variation 2631539 (VCV002631539.2), dbSNP rs2540724179, ClinGen allele CA385327698.
Genomic context (GRCh38, chr12:56,044,137, plus strand): 5'-TCCATGGGTTTTAATTTACTCTTTTGTTTCTTTGTCTTTCAGGGTGCTGCCCCACGTCCC[C>G]CACCAAAGCCCATGTAAGGAGCTGAGTTCTTAAAGACTGAAGACAGGCTATTCTCTGGAG-3'
Protein context (NP_001020.2, residues 101-115): FRPAGAAPRP[Pro111Ala]PKPM

ClinVar aggregate classification (germline): Uncertain significance (1 of 4 stars; one submission).

Conditions:
RPS26-related disorder. Also called: RPS26-related condition.

Submission:

PreventionGenetics, part of Exact Sciences
Classification: Uncertain significance for RPS26-related condition. Last evaluated: 2025-04-01. Review status: criteria provided, single submitter. Criteria: ACMG Guidelines, 2015. Collection method: clinical testing. Allele origin: germline.
Comment: The RPS26 c.331C>G variant is predicted to result in the amino acid substitution p.Pro111Ala. To our knowledge, this variant has not been reported in the literature or in a large population database (gnomAD), indicating this variant is rare. Although we suspect that this variant may be pathogenic, at this time, the clinical significance of this variant is uncertain due to the absence of conclusive functional and genetic evidence.